The following is an entry in ClinVar:

ClinVar aggregate classification (germline): Uncertain significance. Review status: criteria provided, multiple submitters, no conflicts (2 of 4 stars). 4 submissions from 4 submitters: Uncertain significance (4). Last evaluated 2025-06-14.

Conditions:
Heterotopia, periventricular, X-linked dominant (PVNH1). Also called: PERIVENTRICULAR NODULAR HETEROTOPIA 4; HETEROTOPIA, PERIVENTRICULAR, 1; PERIVENTRICULAR NODULAR HETEROTOPIA 1; X-linked periventricular heterotopia. Identifiers: Orphanet 2149, Orphanet 82004, MedGen C1848213, MONDO:0010233, OMIM 300049.
Melnick-Needles syndrome (MNS). Also called: Melnick-Needles Syndrome (FLNA-MNS); MELNICK-NEEDLES OSTEODYSPLASTY; OSTEODYSPLASTY OF MELNICK AND NEEDLES. Identifiers: Orphanet 2484, MedGen C0025237, MONDO:0010650, OMIM 309350.
Frontometaphyseal dysplasia (FMD1). Identifiers: Orphanet 1826, MedGen C0265293, MONDO:0015942.
Oto-palato-digital syndrome, type II (OPD2). Also called: Otopalatodigital Syndrome Type 2 (FLNA-OPD2); Otopalatodigital Syndrome, Type II; FACIOPALATOOSSEOUS SYNDROME; OPD II SYNDROME. Identifiers: Orphanet 669, Orphanet 90652, MedGen C1844696, MONDO:0010571, OMIM 304120.
Familial thoracic aortic aneurysm and aortic dissection (TAAD). Also called: Thoracic aortic aneurysms and dissections. Identifiers: Orphanet 91387, MedGen C4707243, MONDO:0019625.

Allele frequency attached by ClinVar (database versions not stated): gnomAD 0.00001; TOPMed 0.00001.

Submissions (4):

Labcorp Genetics (formerly Invitae), Labcorp
Classification: Uncertain significance for Oto-palato-digital syndrome, type II; Heterotopia, periventricular, X-linked dominant; Frontometaphyseal dysplasia; Melnick-Needles syndrome. Last evaluated: 2025-06-14. Review status: criteria provided, single submitter. Criteria: Invitae Variant Classification Sherloc (09022015). Collection method: clinical testing. Allele origin: germline.
Comment: This sequence change replaces valine, which is neutral and non-polar, with leucine, which is neutral and non-polar, at codon 1043 of the FLNA protein (p.Val1043Leu). This variant is not present in population databases (gnomAD no frequency). This missense change has been observed in individual(s) with clinical features of FLNA-related conditions (PMID: 35058154). ClinVar contains an entry for this variant (Variation ID: 588547). Invitae Evidence Modeling of protein sequence and biophysical properties (such as structural, functional, and spatial information, amino acid conservation, physicochemical variation, residue mobility, and thermodynamic stability) indicates that this missense variant is not expected to disrupt FLNA protein function with a negative predictive value of 95%. In summary, the available evidence is currently insufficient to determine the role of this variant in disease. Therefore, it has been classified as a Variant of Uncertain Significance.

GeneDx
Classification: Uncertain significance. Last evaluated: 2022-12-15. Review status: criteria provided, single submitter. Criteria: GeneDx Variant Classification Process June 2021. Collection method: clinical testing. Allele origin: germline. Affected: yes.
Comment: Not observed at significant frequency in large population cohorts (gnomAD); In silico analysis supports that this missense variant does not alter protein structure/function; Has not been previously published as pathogenic or benign to our knowledge

Centre of Medical Genetics, University of Antwerp
Classification: Uncertain significance for Heterotopia, periventricular, X-linked dominant. Last evaluated: 2021-03-01. Review status: criteria provided, single submitter. Criteria: ACMG Guidelines, 2015. Collection method: research. Allele origin: unknown. Affected: yes.
Comment: PP3

Ambry Genetics
Classification: Uncertain significance for Familial thoracic aortic aneurysm and aortic dissection. Last evaluated: 2016-12-12. Review status: criteria provided, single submitter. Criteria: Ambry Variant Classification Scheme 2023. Collection method: clinical testing. Allele origin: germline.
Comment: The p.V1043L variant (also known as c.3127G>T), located in coding exon 20 of the FLNA gene, results from a G to T substitution at nucleotide position 3127. The valine at codon 1043 is replaced by leucine, an amino acid with highly similar properties. This amino acid position is highly conserved in available vertebrate species. In addition, this alteration is predicted to be deleterious by in silico analysis. Since supporting evidence is limited at this time, the clinical significance of this alteration remains unclear.

Literature cited by the submitters: PubMed 35058154 (cited by Labcorp Genetics (formerly Invitae), Labcorp).

NM_001110556.2(FLNA):c.3127G>T (p.Val1043Leu)

Gene: FLNA (filamin A; minus strand). Cytogenetic location: Xq28.
Variant type: single nucleotide variant.
Coding change: c.3127G>T on transcript NM_001110556.2 (MANE Select); coding-DNA position 3127, G replaced by T.
Protein change: p.Val1043Leu; replaces valine 1043 with leucine.
Molecular consequence: missense variant.
Genome position (GRCh38, 1-based): chrX:154,361,388, C>A on the plus strand (G>T on the coding strand, the complement: FLNA is on the minus strand). VCF-style: chrX-154361388-C-A. GRCh37 (hg19) VCF-style: chrX-153589756-C-A.
Other names: c.3127G>T, p.Val1043Leu (NM_001456.4); short protein forms V1043L.
Identifiers: ClinVar variation 588547 (VCV000588547.30), dbSNP rs1475916528, ClinGen allele CA415230283.